The following is an entry in ClinVar:

NM_004070.4(CLCNKA):c.1883C>T (p.Thr628Met)

Genes: CLCNKA (chloride voltage-gated channel Ka; plus strand), LOC106501712 (CLCNKA recombination region; plus strand). Cytogenetic location: 1p36.13.
Variant type: single nucleotide variant.
Coding change: c.1883C>T on transcript NM_004070.4 (MANE Select); coding-DNA position 1883, C replaced by T.
Protein change: p.Thr628Met; replaces threonine 628 with methionine.
Molecular consequence: missense variant.
Genome position (GRCh38, 1-based): chr1:16,032,480, C>T. VCF-style: chr1-16032480-C-T. GRCh37 (hg19) VCF-style: chr1-16358975-C-T.
Other names: p.Thr628Met; c.1880C>T, p.Thr627Met (NM_001042704.2); c.1754C>T, p.Thr585Met (NM_001257139.2); short protein forms T585M, T627M, T628M.
Identifiers: ClinVar variation 4003358 (VCV004003358.2).

ClinVar aggregate classification (germline): Uncertain significance. Review status: criteria provided, multiple submitters, no conflicts (2 of 4 stars). 2 submissions from 2 submitters: Uncertain significance (2). Last evaluated 2025-05-13.

Conditions:
Inborn genetic diseases. Identifiers: MedGen C0950123, MeSH D030342.

gnomAD v4.1: 71 of 1,613,140 alleles (0.0044%); highest among the groups gnomAD compares: Admixed American, 0.0083%; 1 homozygote.

Submissions (2):

Ambry Genetics
Classification: Uncertain significance for Inborn genetic diseases. Last evaluated: 2025-05-13. Review status: criteria provided, single submitter. Criteria: Ambry Variant Classification Scheme 2023. Collection method: clinical testing. Allele origin: germline.

Mayo Clinic Laboratories, Mayo Clinic
Classification: Uncertain significance. Last evaluated: 2025-05-01. Review status: criteria provided, single submitter. Criteria: ACMG Guidelines, 2015. Collection method: clinical testing. Allele origin: germline. Observed: 1 variant allele.
Comment: BP4_moderate